The following is an entry in ClinVar:

ClinVar aggregate classification (germline): Likely benign. Review status: criteria provided, single submitter (1 of 4 stars). 2 submissions from 2 submitters: Likely benign (1). 1 of the submissions does not count toward it. Last evaluated 2022-04-23.

Conditions:
ACAN-related disorder. Also called: ACAN-related condition; ACAN-related disorders.

Allele frequency attached by ClinVar (database versions not stated): ExAC 0.00001; gnomAD exomes 0.00003; TOPMed 0.00006; gnomAD 0.00009; 1000 Genomes Project 30x 0.00016; 1000 Genomes Project 0.00020.

Submissions (2):

Labcorp Genetics (formerly Invitae), Labcorp
Classification: Likely benign. Last evaluated: 2022-04-23. Review status: criteria provided, single submitter. Criteria: Invitae Variant Classification Sherloc (09022015). Collection method: clinical testing. Allele origin: germline.

PreventionGenetics, part of Exact Sciences
Classification: Likely benign for ACAN-related condition. Last evaluated: 2019-04-30. Review status: no assertion criteria provided. Collection method: clinical testing. Allele origin: germline. Not counted in ClinVar's aggregate classification.
Comment: This variant is classified as likely benign based on ACMG/AMP sequence variant interpretation guidelines (Richards et al. 2015 PMID: 25741868, with internal and published modifications).

NM_001369268.1(ACAN):c.1005G>A (p.Thr335=)

Gene: ACAN (aggrecan; plus strand). Cytogenetic location: 15q26.1.
Variant type: single nucleotide variant.
Coding change: c.1005G>A on transcript NM_001369268.1 (MANE Select); coding-DNA position 1005, G replaced by A.
Protein change: p.Thr335=; no amino-acid change (threonine 335 retained).
Molecular consequence: synonymous variant.
Genome position (GRCh38, 1-based): chr15:88,843,602, G>A. VCF-style: chr15-88843602-G-A. GRCh37 (hg19) VCF-style: chr15-89386833-G-A.
Other names: c.1005G>A, p.Thr335= (NM_001135.4, NM_001411096.1, NM_001411097.1 and 1 more transcripts); c.1005G>A (NM_013227.3).
Identifiers: ClinVar variation 2420082 (VCV002420082.9), dbSNP rs572285643, ClinGen allele CA7719420.
Genomic context (GRCh38, chr15:88,843,602, plus strand): 5'-GCCCAACTGCGGTGGCAACCTCCTGGGCGTGAGGACCGTCTACGTGCATGCCAACCAGAC[G>A]GGCTACCCCGACCCCTCATCCCGCTACGACGCCATCTGCTACACAGGTGGGGCACGGCTG-3'
Protein context (NP_001356197.1, residues 325-345): VRTVYVHANQ[Thr335=]GYPDPSSRYD